The following is an entry in ClinVar:

ClinVar aggregate classification (germline): Likely benign. Review status: criteria provided, single submitter (1 of 4 stars). 2 submissions from 2 submitters: Likely benign (1). 1 of the submissions does not count toward it. Last evaluated 2026-01-09.

Conditions:
RAI1-related disorder. Also called: RAI1-related condition.

Allele frequency attached by ClinVar (database versions not stated): ExAC 0.00001; gnomAD exomes 0.00001.
gnomAD v4.1: 21 of 1,613,944 alleles (0.0013%); highest among the groups gnomAD compares: Non-Finnish European, 0.0016%; no homozygotes.

Submissions (2):

Labcorp Genetics (formerly Invitae), Labcorp
Classification: Likely benign. Last evaluated: 2026-01-09. Review status: criteria provided, single submitter. Criteria: Invitae Variant Classification Sherloc (09022015). Collection method: clinical testing. Allele origin: germline.

PreventionGenetics, part of Exact Sciences
Classification: Likely benign for RAI1-related condition. Last evaluated: 2020-12-08. Review status: no assertion criteria provided. Collection method: clinical testing. Allele origin: germline. Not counted in ClinVar's aggregate classification.
Comment: This variant is classified as likely benign based on ACMG/AMP sequence variant interpretation guidelines (Richards et al. 2015 PMID: 25741868, with internal and published modifications).

NM_030665.4(RAI1):c.5163G>A (p.Glu1721=)

Gene: RAI1 (retinoic acid induced 1; plus strand). Cytogenetic location: 17p11.2.
Variant type: single nucleotide variant.
Coding change: c.5163G>A on transcript NM_030665.4 (MANE Select); coding-DNA position 5163, G replaced by A.
Protein change: p.Glu1721=; no amino-acid change (glutamic acid 1721 retained).
Molecular consequence: synonymous variant.
Genome position (GRCh38, 1-based): chr17:17,798,111, G>A. VCF-style: chr17-17798111-G-A. GRCh37 (hg19) VCF-style: chr17-17701425-G-A.
Other names: c.5163G>A (NM_030665.3).
Identifiers: ClinVar variation 2969378 (VCV002969378.5), dbSNP rs768697226, ClinGen allele CA8419097.
Genomic context (GRCh38, chr17:17,798,111, plus strand): 5'-CCTCTGTGGGCCCTACTACCCTGAACACTGCCTCCCCAAAAAGAAGCCAAAACTCAAGGA[G>A]AAGGTGCGGCCAGAAGGCACCTGTGAGGAGGCCTCGCTGCCGCTTGAGAGAACACTCAAA-3'
Protein context (NP_109590.3, residues 1711-1731): CLPKKKPKLK[Glu1721=]KVRPEGTCEE